The following is an entry in ClinVar:

ClinVar aggregate classification (germline): Uncertain significance (1 of 4 stars; one submission).

Submission:

Labcorp Genetics (formerly Invitae), Labcorp
Classification: Uncertain significance. Last evaluated: 2023-08-04. Review status: criteria provided, single submitter. Criteria: Invitae Variant Classification Sherloc (09022015). Collection method: clinical testing. Allele origin: germline.
Comment: In summary, the available evidence is currently insufficient to determine the role of this variant in disease. Therefore, it has been classified as a Variant of Uncertain Significance. An algorithm developed to predict the effect of missense changes on protein structure and function (PolyPhen-2) suggests that this variant is likely to be tolerated. ClinVar contains an entry for this variant (Variation ID: 1721064). This variant has not been reported in the literature in individuals affected with RAI1-related conditions. This variant is not present in population databases (gnomAD no frequency). This sequence change replaces threonine, which is neutral and polar, with isoleucine, which is neutral and non-polar, at codon 149 of the RAI1 protein (p.Thr149Ile).

NM_030665.4(RAI1):c.446C>T (p.Thr149Ile)

Gene: RAI1 (retinoic acid induced 1; plus strand). Cytogenetic location: 17p11.2.
Variant type: single nucleotide variant.
Coding change: c.446C>T on transcript NM_030665.4 (MANE Select); coding-DNA position 446, C replaced by T.
Protein change: p.Thr149Ile; replaces threonine 149 with isoleucine.
Molecular consequence: missense variant.
Genome position (GRCh38, 1-based): chr17:17,793,394, C>T. VCF-style: chr17-17793394-C-T. GRCh37 (hg19) VCF-style: chr17-17696708-C-T.
Other names: short protein forms T149I.
Identifiers: ClinVar variation 1721064 (VCV001721064.5), dbSNP rs2508568912, ClinGen allele CA398545483.